The following is an entry in ClinVar:

NM_024747.6(HPS6):c.695G>A (p.Arg232Gln)

Gene: HPS6 (HPS6 biogenesis of lysosomal organelles complex 2 subunit 3; plus strand). Cytogenetic location: 10q24.32.
Variant type: single nucleotide variant.
Coding change: c.695G>A on transcript NM_024747.6 (MANE Select); coding-DNA position 695, G replaced by A.
Protein change: p.Arg232Gln; replaces arginine 232 with glutamine.
Molecular consequence: missense variant.
Genome position (GRCh38, 1-based): chr10:102,066,169, G>A. VCF-style: chr10-102066169-G-A. GRCh37 (hg19) VCF-style: chr10-103825926-G-A.
Other names: c.695G>A (NM_024747.5); short protein forms R232Q.
Identifiers: ClinVar variation 1390854 (VCV001390854.6), dbSNP rs148715290, ClinGen allele CA5659836.
Genomic context (GRCh38, chr10:102,066,169, plus strand): 5'-TGGCCCACGTTCTACTCATCTGGAGCCCAGGCAAGGGCAAAGTGATGGTGGCTGCCCCAC[G>A]GCTTGGTCTCTCCTACAGTAAGAGTCTGAATCCTGGACGAGGGGACACATGGGACTTCCG-3'
Protein context (NP_079023.2, residues 222-242): GKGKVMVAAP[Arg232Gln]LGLSYSKSLN

ClinVar aggregate classification (germline): Uncertain significance. Review status: criteria provided, multiple submitters, no conflicts (2 of 4 stars). 2 submissions from 2 submitters: Uncertain significance (2). Last evaluated 2026-02-23.

Conditions:
Inborn genetic diseases. Identifiers: MedGen C0950123, MeSH D030342.

Allele frequency attached by ClinVar (database versions not stated): gnomAD exomes 0.00011; ExAC 0.00013; TOPMed 0.00032; gnomAD 0.00035 and 0.00038; ESP Exome Variant Server 0.00038; 1000 Genomes Project 0.00040; 1000 Genomes Project 30x 0.00047.
gnomAD v4.1: 95 of 1,613,804 alleles (0.0059%); highest among the groups gnomAD compares: African/African-American, 0.11%; no homozygotes.

Submissions (2):

Ambry Genetics
Classification: Uncertain significance for Inborn genetic diseases. Last evaluated: 2026-02-23. Review status: criteria provided, single submitter. Criteria: Ambry Variant Classification Scheme 2023. Collection method: clinical testing. Allele origin: germline.

Labcorp Genetics (formerly Invitae), Labcorp
Classification: Uncertain significance. Last evaluated: 2026-01-26. Review status: criteria provided, single submitter. Criteria: Invitae Variant Classification Sherloc (09022015). Collection method: clinical testing. Allele origin: germline.
Comment: This sequence change replaces arginine, which is basic and polar, with glutamine, which is neutral and polar, at codon 232 of the HPS6 protein (p.Arg232Gln). This variant is present in population databases (rs148715290, gnomAD 0.1%). This variant has not been reported in the literature in individuals affected with HPS6-related conditions. ClinVar contains an entry for this variant (Variation ID: 1390854). Invitae Evidence Modeling of protein sequence and biophysical properties (such as structural, functional, and spatial information, amino acid conservation, physicochemical variation, residue mobility, and thermodynamic stability) indicates that this missense variant is not expected to disrupt HPS6 protein function with a negative predictive value of 80%. In summary, the available evidence is currently insufficient to determine the role of this variant in disease. Therefore, it has been classified as a Variant of Uncertain Significance.